The following is an entry in ClinVar:

ClinVar aggregate classification (germline): Uncertain significance. Review status: criteria provided, multiple submitters, no conflicts (2 of 4 stars). 4 submissions from 4 submitters: Uncertain significance (4). Last evaluated 2025-12-24.

Conditions:
Juvenile polyposis syndrome (JPS). Identifiers: Orphanet 2929, MedGen C0345893, MONDO:0017380, OMIM 174900.
Hereditary cancer-predisposing syndrome. Also called: Tumor predisposition; Neoplastic Syndromes, Hereditary; Hereditary Cancer Syndrome; Hereditary neoplastic syndrome. Identifiers: Orphanet 140162, MedGen C0027672, MeSH D009386, MONDO:0015356.
Polyposis syndrome, hereditary mixed, 2. Identifiers: Orphanet 157794, MedGen C1864730, MONDO:0012405, OMIM 610069.

Allele frequency attached by ClinVar (database versions not stated): gnomAD exomes below 0.00001.
gnomAD v4.1: 1 of 1,613,552 alleles (0.000062%); highest among the groups gnomAD compares: Non-Finnish European, 0.000085%; no homozygotes.

Submissions (4):

Labcorp Genetics (formerly Invitae), Labcorp
Classification: Uncertain significance for Juvenile polyposis syndrome. Last evaluated: 2025-12-24. Review status: criteria provided, single submitter. Criteria: Invitae Variant Classification Sherloc (09022015). Collection method: clinical testing. Allele origin: germline.
Comment: This sequence change replaces isoleucine, which is neutral and non-polar, with valine, which is neutral and non-polar, at codon 86 of the BMPR1A protein (p.Ile86Val). This variant is not present in population databases (gnomAD no frequency). This variant has not been reported in the literature in individuals affected with BMPR1A-related conditions. ClinVar contains an entry for this variant (Variation ID: 489692). Invitae Evidence Modeling of protein sequence and biophysical properties (such as structural, functional, and spatial information, amino acid conservation, physicochemical variation, residue mobility, and thermodynamic stability) indicates that this missense variant is not expected to disrupt BMPR1A protein function with a negative predictive value of 80%. In summary, the available evidence is currently insufficient to determine the role of this variant in disease. Therefore, it has been classified as a Variant of Uncertain Significance.

Ambry Genetics
Classification: Uncertain significance for Hereditary cancer-predisposing syndrome. Last evaluated: 2025-11-29. Review status: criteria provided, single submitter. Criteria: Ambry Variant Classification Scheme 2023. Collection method: clinical testing. Allele origin: germline.
Comment: The p.I86V variant (also known as c.256A>G), located in coding exon 3 of the BMPR1A gene, results from an A to G substitution at nucleotide position 256. The isoleucine at codon 86 is replaced by valine, an amino acid with highly similar properties. This amino acid position is highly conserved in available vertebrate species. In addition, the in silico prediction for this alteration is inconclusive. Since supporting evidence is limited at this time, the clinical significance of this alteration remains unclear.

Color Diagnostics, LLC DBA Color Health
Classification: Uncertain significance for Hereditary cancer-predisposing syndrome. Last evaluated: 2023-12-05. Review status: criteria provided, single submitter. Criteria: ACMG Guidelines, 2015. Collection method: clinical testing. Allele origin: germline.
Comment: This missense variant replaces isoleucine with valine at codon 86 of the BMPR1A protein. Computational prediction tools and conservation analyses are inconclusive regarding the impact of this variant on the protein function. To our knowledge, functional assays have not been performed for this variant nor has this variant been reported in individuals affected with hereditary cancer in the literature. This variant has not been identified in the general population by the Genome Aggregation Database (gnomAD). Available evidence is insufficient to determine the role of this variant in disease conclusively. Therefore, this variant is classified as a Variant of Uncertain Significance.

Baylor Genetics
Classification: Uncertain significance for Polyposis syndrome, hereditary mixed, 2. Last evaluated: 2023-11-03. Review status: criteria provided, single submitter. Criteria: ACMG Guidelines, 2015. Collection method: clinical testing. Allele origin: unknown.

NM_004329.3(BMPR1A):c.256A>G (p.Ile86Val)

Gene: BMPR1A (bone morphogenetic protein receptor type 1A; plus strand). Cytogenetic location: 10q23.2.
Variant type: single nucleotide variant.
Coding change: c.256A>G on transcript NM_004329.3 (MANE Select); coding-DNA position 256, A replaced by G.
Protein change: p.Ile86Val; replaces isoleucine 86 with valine.
Molecular consequence: missense variant.
Genome position (GRCh38, 1-based): chr10:86,892,152, A>G. VCF-style: chr10-86892152-A-G. GRCh37 (hg19) VCF-style: chr10-88651909-A-G.
Other names: short protein forms I86V.
Identifiers: ClinVar variation 489692 (VCV000489692.23), dbSNP rs1554888312, ClinGen allele CA377448014.